The following is an entry in ClinVar:

NM_021120.4(DLG3):c.1790G>A (p.Ser597Asn)

Gene: DLG3 (discs large MAGUK scaffold protein 3; plus strand). Cytogenetic location: Xq13.1.
Variant type: single nucleotide variant.
Coding change: c.1790G>A on transcript NM_021120.4 (MANE Select); coding-DNA position 1790, G replaced by A.
Protein change: p.Ser597Asn; replaces serine 597 with asparagine.
Molecular consequence: missense variant. On other transcripts: intron variant (2).
Genome position (GRCh38, 1-based): chrX:70,495,424, G>A. VCF-style: chrX-70495424-G-A. GRCh37 (hg19) VCF-style: chrX-69715274-G-A.
Other names: c.425-1756G>A (NM_001166278.2); c.863-1756G>A (NM_020730.3); short protein forms S597N.
Identifiers: ClinVar variation 5039857 (VCV005039857.1).

ClinVar aggregate classification (germline): Likely benign (1 of 4 stars; one submission).

gnomAD v4.1: 9 of 1,208,472 alleles (0.00074%); highest among the groups gnomAD compares: Admixed American, 0.02%; no homozygotes.

Submission:

CeGaT Center for Human Genetics Tuebingen
Classification: Likely benign. Last evaluated: 2026-07-01. Review status: criteria provided, single submitter. Criteria: CeGaT Center For Human Genetics Tuebingen Variant Classification Criteria Version 2. Collection method: clinical testing. Allele origin: germline. Affected: yes. Observed: 1 variant allele.
Comment: DLG3: BS1